The following is an entry in ClinVar:

NM_000066.4(C8B):c.1414G>A (p.Glu472Lys)

Gene: C8B (complement C8 beta chain; minus strand). Cytogenetic location: 1p32.2.
Variant type: single nucleotide variant.
Coding change: c.1414G>A on transcript NM_000066.4 (MANE Select); coding-DNA position 1414, G replaced by A.
Protein change: p.Glu472Lys; replaces glutamic acid 472 with lysine.
Molecular consequence: missense variant.
Genome position (GRCh38, 1-based): chr1:56,933,473, C>T on the plus strand (G>A on the coding strand, the complement: C8B is on the minus strand). VCF-style: chr1-56933473-C-T. GRCh37 (hg19) VCF-style: chr1-57399146-C-T.
Other names: c.1258G>A, p.Glu420Lys (NM_001278543.2); c.1228G>A, p.Glu410Lys (NM_001278544.2); short protein forms E410K, E420K, E472K.
Identifiers: ClinVar variation 1427047 (VCV001427047.6), dbSNP rs760262006, ClinGen allele CA875634.

ClinVar aggregate classification (germline): Uncertain significance (1 of 4 stars; one submission).

Allele frequency attached by ClinVar (database versions not stated): gnomAD 0.00001; gnomAD exomes 0.00001 and 0.00003; ExAC 0.00002; TOPMed 0.00002.
gnomAD v4.1: 20 of 1,613,690 alleles (0.0012%); highest among the groups gnomAD compares: Non-Finnish European, 0.000085%; no homozygotes.

Submission:

Labcorp Genetics (formerly Invitae), Labcorp
Classification: Uncertain significance. Last evaluated: 2022-04-06. Review status: criteria provided, single submitter. Criteria: Invitae Variant Classification Sherloc (09022015). Collection method: clinical testing. Allele origin: germline.
Comment: This sequence change replaces glutamic acid, which is acidic and polar, with lysine, which is basic and polar, at codon 472 of the C8B protein (p.Glu472Lys). This variant is present in population databases (rs760262006, gnomAD 0.06%). This variant has not been reported in the literature in individuals affected with C8B-related conditions. Algorithms developed to predict the effect of missense changes on protein structure and function are either unavailable or do not agree on the potential impact of this missense change (SIFT: "Deleterious"; PolyPhen-2: "Probably Damaging"; Align-GVGD: "Class C0"). In summary, the available evidence is currently insufficient to determine the role of this variant in disease. Therefore, it has been classified as a Variant of Uncertain Significance.